The following is an entry in ClinVar:

NM_017534.6(MYH2):c.4997C>G (p.Ala1666Gly)

Genes: MYH2 (myosin heavy chain 2; minus strand), MYHAS (myosin heavy chain gene cluster antisense RNA; plus strand), LOC126862500 (BRD4-independent group 4 enhancer GRCh37_chr17:10427829-10429028; plus strand). Cytogenetic location: 17p13.1.
Variant type: single nucleotide variant.
Coding change: c.4997C>G on transcript NM_017534.6 (MANE Select); coding-DNA position 4997, C replaced by G.
Protein change: p.Ala1666Gly; replaces alanine 1666 with glycine.
Molecular consequence: missense variant.
Genome position (GRCh38, 1-based): chr17:10,524,644, G>C on the plus strand (C>G on the coding strand, the complement: MYH2 is on the minus strand). VCF-style: chr17-10524644-G-C. GRCh37 (hg19) VCF-style: chr17-10427961-G-C.
Other names: c.4997C>G, p.Ala1666Gly (NM_001100112.2); short protein forms A1666G.
Identifiers: ClinVar variation 444399 (VCV000444399.48), dbSNP rs773964603, ClinGen allele CA398120061.

ClinVar aggregate classification (germline): Uncertain significance. Review status: criteria provided, multiple submitters, no conflicts (2 of 4 stars). 2 submissions from 2 submitters: Uncertain significance (2). Last evaluated 2020-02-15.

Conditions:
Myopathy, proximal, and ophthalmoplegia (CMYO6). Also called: CONGENITAL MYOPATHY 6 WITH OPHTHALMOPLEGIA; INCLUSION BODY MYOPATHY 3, AUTOSOMAL DOMINANT; MYOPATHY WITH CONGENITAL JOINT CONTRACTURES, OPHTHALMOPLEGIA, AND RIMMED VACUOLES. Identifiers: Orphanet 363677, Orphanet 79091, MedGen C1854106, MONDO:0011577, OMIM 605637.

Submissions (2):

Labcorp Genetics (formerly Invitae), Labcorp
Classification: Uncertain significance for Myopathy, proximal, and ophthalmoplegia. Last evaluated: 2020-02-15. Review status: criteria provided, single submitter. Criteria: Invitae Variant Classification Sherloc (09022015). Collection method: clinical testing. Allele origin: germline.
Comment: This sequence change replaces alanine with glycine at codon 1666 of the MYH2 protein (p.Ala1666Gly). The alanine residue is highly conserved and there is a small physicochemical difference between alanine and glycine. This variant is not present in population databases (ExAC no frequency). This variant has not been reported in the literature in individuals with MYH2-related conditions. ClinVar contains an entry for this variant (Variation ID: 444399). Algorithms developed to predict the effect of missense changes on protein structure and function (SIFT, PolyPhen-2, Align-GVGD) all suggest that this variant is likely to be disruptive, but these predictions have not been confirmed by published functional studies and their clinical significance is uncertain. In summary, the available evidence is currently insufficient to determine the role of this variant in disease. Therefore, it has been classified as a Variant of Uncertain Significance.

CeGaT Center for Human Genetics Tuebingen
Classification: Uncertain significance. Last evaluated: 2017-03-01. Review status: criteria provided, single submitter. Criteria: CeGaT Center For Human Genetics Tuebingen Variant Classification Criteria Version 2. Collection method: clinical testing. Allele origin: germline. Affected: yes. Observed: 1 variant allele.